The following is an entry in ClinVar:

NM_003482.4(KMT2D):c.8259A>G (p.Pro2753=)

Gene: KMT2D (lysine methyltransferase 2D; minus strand). Cytogenetic location: 12q13.12.
Variant type: single nucleotide variant.
Coding change: c.8259A>G on transcript NM_003482.4 (MANE Select); coding-DNA position 8259, A replaced by G.
Protein change: p.Pro2753=; no amino-acid change (proline 2753 retained).
Molecular consequence: synonymous variant.
Genome position (GRCh38, 1-based): chr12:49,039,329, T>C on the plus strand (A>G on the coding strand, the complement: KMT2D is on the minus strand). VCF-style: chr12-49039329-T-C. GRCh37 (hg19) VCF-style: chr12-49433112-T-C.
Identifiers: ClinVar variation 1034000 (VCV001034000.1), dbSNP rs1592132885, ClinGen allele CA479710697.

ClinVar aggregate classification (germline): Uncertain significance (1 of 4 stars; one submission).

Conditions:
Kabuki syndrome 1 (KABUK1). Also called: KMT2D-Related Kabuki Syndrome. Identifiers: Orphanet 2322, MedGen CN030661, MONDO:0007843, OMIM 147920.

Submission:

Baylor Genetics
Classification: Uncertain significance for Kabuki syndrome 1. Last evaluated: 2018-04-20. Review status: criteria provided, single submitter. Criteria: ACMG Guidelines, 2015. Collection method: clinical testing. Allele origin: unknown. Affected: yes.
Comment: This variant was determined to be of uncertain significance according to ACMG Guidelines, 2015 [PMID:25741868].